The following is an entry in ClinVar:

ClinVar aggregate classification (germline): Pathogenic (1 of 4 stars; one submission).

Conditions:
Hereditary nonpolyposis colorectal neoplasms. Identifiers: MedGen C0009405, MeSH D003123.

Submission:

Labcorp Genetics (formerly Invitae), Labcorp
Classification: Pathogenic for Hereditary nonpolyposis colorectal neoplasms. Last evaluated: 2020-02-19. Review status: criteria provided, single submitter. Criteria: Invitae Variant Classification Sherloc (09022015). Collection method: clinical testing. Allele origin: germline.
Comment: This variant is not present in population databases (ExAC no frequency). This variant has not been reported in the literature in individuals with MSH6-related conditions. This variant disrupts the C-terminus of the MSH6 protein. Other variant(s) that disrupt this region (p.Arg1331*) have been determined to be pathogenic (PMID: 26318770, 15483016, 16418736, Invitae). This suggests that variants that disrupt this region of the protein are likely to be causative of disease. For these reasons, this variant has been classified as Pathogenic. This sequence change results in a premature translational stop signal in the MSH6 gene (p.Thr1282Ilefs*45). While this is not anticipated to result in nonsense mediated decay, it is expected to disrupt the last 79 amino acids of the MSH6 protein.

Literature cited by the submitters: PubMed 26318770; PubMed 15483016; PubMed 16418736.

NM_000179.3(MSH6):c.3845del (p.Thr1282fs)

Gene: MSH6 (mutS homolog 6; plus strand). Cytogenetic location: 2p16.3.
Variant type: Deletion.
Coding change: c.3845del on transcript NM_000179.3 (MANE Select); coding-DNA position 3845, one base deleted (C; older notation c.3845delC).
Protein change: p.Thr1282fs; shifts the reading frame from threonine 1282.
Molecular consequence: frameshift variant.
Genome position (GRCh38, 1-based): chr2:47,806,495, C deleted. VCF-style (leftmost placement, unchanged base first): chr2-47806494-AC-A. GRCh37 (hg19) VCF-style: chr2-48033633-AC-A.
Other names: c.3455del, p.Thr1152fs (NM_001281492.2); c.2939del, p.Thr980fs (NM_001281493.2, NM_001281494.2); short protein forms T1152fs, T1282fs, T980fs.
Identifiers: ClinVar variation 1073523 (VCV001073523.10), dbSNP rs2104554610, ClinGen allele CA2499216137.